The following is an entry in ClinVar:

ClinVar aggregate classification (germline): Uncertain significance (1 of 4 stars; one submission).

Conditions:
Hereditary cancer-predisposing syndrome. Also called: Neoplastic Syndromes, Hereditary; Hereditary neoplastic syndrome; Tumor predisposition; Hereditary Cancer Syndrome. Identifiers: Orphanet 140162, MedGen C0027672, MeSH D009386, MONDO:0015356.

Submission:

Ambry Genetics
Classification: Uncertain significance for Hereditary cancer-predisposing syndrome. Last evaluated: 2023-02-22. Review status: criteria provided, single submitter. Criteria: Ambry Variant Classification Scheme 2023. Collection method: clinical testing. Allele origin: germline.
Comment: The c.-1C>T variant is located in the 5' untranslated region (5&rsquo; UTR) of the CDH1 gene. This variant results from a C to T substitution one nucleotide upstream from the first translated codon. This nucleotide position is highly conserved in available vertebrate species. Since supporting evidence is limited at this time, the clinical significance of this alteration remains unclear.

NM_004360.5(CDH1):c.-1C>T

Gene: CDH1 (cadherin 1; plus strand). Cytogenetic location: 16q22.1.
Variant type: single nucleotide variant.
Coding change: c.-1C>T on transcript NM_004360.5 (MANE Select); 1 bases upstream of the start codon, C replaced by T.
Molecular consequence: 5 prime UTR variant.
Genome position (GRCh38, 1-based): chr16:68,737,415, C>T. VCF-style: chr16-68737415-C-T. GRCh37 (hg19) VCF-style: chr16-68771318-C-T.
Other names: c.-1C>T (NM_001317184.2); c.-1616C>T (NM_001317185.2); c.-1820C>T (NM_001317186.2).
Identifiers: ClinVar variation 2493701 (VCV002493701.2), dbSNP rs2152113943, ClinGen allele CA2580091834.